The following is an entry in ClinVar:

ClinVar aggregate classification (germline): Conflicting classifications of pathogenicity. Review status: criteria provided, conflicting classifications (1 of 4 stars). 7 submissions from 7 submitters: Uncertain significance (4); Likely benign (2). 1 of the submissions does not count toward it. Last evaluated 2026-06-30.

Conditions:
Usher syndrome type 2A. Also called: USHER SYNDROME, TYPE IIA; RETINAL DISEASE IN USHER SYNDROME TYPE IIA, MODIFIER OF. Identifiers: Orphanet 231178, Orphanet 886, MedGen C1848634, MONDO:0010169, OMIM 276901.
Retinitis pigmentosa 39 (RP39). Identifiers: Orphanet 791, MedGen C3151138, MONDO:0013436, OMIM 613809.
USH2A-related disorder. Also called: USH2A-related disorders; USH2A-related condition. Identifiers: MedGen CN239332.
Retinal dystrophy. Also called: Inherited retinal dystrophy. Identifiers: Orphanet 71862, MedGen C0854723, MeSH D058499, MONDO:0019118, HP:0000556.

Allele frequency attached by ClinVar (database versions not stated): gnomAD exomes 0.00003 and 0.00014; gnomAD 0.00004 and 0.00006; TOPMed 0.00007; ExAC 0.00010; 1000 Genomes Project 30x 0.00016; 1000 Genomes Project 0.00020.
gnomAD v4.1: 66 of 1,613,958 alleles (0.0041%); highest among the groups gnomAD compares: East Asian, 0.096%; no homozygotes.

Submissions (7):

PreventionGenetics, part of Exact Sciences
Classification: Uncertain significance for USH2A-related condition. Last evaluated: 2026-06-30. Review status: criteria provided, single submitter. Criteria: ACMG Guidelines, 2015. Collection method: clinical testing. Allele origin: germline.
Comment: The USH2A c.997T>C variant is predicted to result in the amino acid substitution p.Ser333Pro. This variant has been reported along with a second USH2A variant, at least one confirmed in the compound heterozygous state, in individuals with retinitis pigmentosa (Xu et al. 2014. PMID: 24938718; Table S2, Liu et al. 2020. PubMed ID: 33090715). It has also been reported in at least two individuals with progressive bilateral night blindness or Usher syndrome in trans and in cis to additional USH2A causative variants (Kuang et al. 2018. PubMed ID: 30390381). This variant is reported in 0.17% of alleles in individuals of East Asian descent in gnomAD. This variant has conflicting classifications listed in ClinVar ranging from likely benign to uncertain (ClinVar ID: 550610). At this time, the clinical significance of this variant is uncertain due to the absence of conclusive functional and genetic evidence.

Labcorp Genetics (formerly Invitae), Labcorp
Classification: Likely benign. Last evaluated: 2026-01-12. Review status: criteria provided, single submitter. Criteria: Invitae Variant Classification Sherloc (09022015). Collection method: clinical testing. Allele origin: germline.

Baylor Genetics
Classification: Uncertain significance for Retinitis pigmentosa 39. Last evaluated: 2025-06-01. Review status: criteria provided, single submitter. Criteria: ACMG Guidelines, 2015. Collection method: clinical testing. Allele origin: unknown.
Comment: This variant has been reported in conjunction with another variant in individuals with retinitis pigmentosa (PMID: 24938718, 33090715), but it is also known to sometimes co-occur in cis with a pathogenic nonsense variant (PMID: 30390381, Internal data).

Blueprint Genetics
Classification: Uncertain significance. Last evaluated: 2024-05-30. Review status: criteria provided, single submitter. Criteria: ACMG Guidelines, 2015. Collection method: clinical testing. Allele origin: germline.

Dept Of Ophthalmology, Nagoya University
Classification: Uncertain significance for Retinal dystrophy. Last evaluated: 2023-10-01. Review status: criteria provided, single submitter. Criteria: Submitter's publication. Collection method: research. Allele origin: germline. Affected: yes.

Women's Health and Genetics/Laboratory Corporation of America, LabCorp
Classification: Likely benign. Last evaluated: 2022-04-11. Review status: criteria provided, single submitter. Criteria: LabCorp Variant Classification Summary - May 2015. Collection method: clinical testing. Allele origin: germline.
Comment: Variant summary: USH2A c.997T>C (p.Ser333Pro) results in a non-conservative amino acid change located in the Laminin, N-terminal domain (IPR008211) of the encoded protein sequence. Four of five in-silico tools predict a benign effect of the variant on protein function. The variant allele was found at a frequency of 0.00014 in 250972 control chromosomes, predominantly at a frequency of 0.0017 within the East Asian subpopulation in the gnomAD database. This frequency is not significantly higher than estimated for a pathogenic variant in USH2A causing Usher Syndrome (0.00014 vs 0.011), allowing no conclusion about variant significance. c.997T>C has been reported in the literature as a non-informative genotype in multiple individuals of East Asian ethnicity undergoing genetic evaluations for retinitis pigmentosa and/or hearing loss/Usher syndrome (example, Liu_2012, Zu_2014, Kuang_2020, Zhu_2021, Liu_2022). One of these families demonstrated the segregation of a variant in a different gene (SNRNP200) as the cause of autosomal dominant retinitis pigmentosa and called this variant as a "false heterozygous" (Liu_2012) (ACMG BP5). These report(s) do not provide unequivocal conclusions about association of the variant with Usher Syndrome. At-least two reports of co-occurrence in cis with another pathogenic variant have been reported (USH2A c.2187C>A, p.Cys729*), providing supporting evidence for a benign role (Kuang_2021, Zhu_2021) (ACMG BP2). To our knowledge, no experimental evidence demonstrating an impact on protein function has been reported. Two clinical diagnostic laboratories have submitted clinical-significance assessments for this variant to ClinVar after 2014 without evidence for independent evaluation. All laboratories classified the variant as uncertain significance. Based on the evidence outlined above, the variant was classified as likely benign.

Counsyl
Classification: Uncertain significance for Usher syndrome type 2A; Retinitis pigmentosa 39. Last evaluated: 2017-02-07. Review status: no assertion criteria provided. Collection method: clinical testing. Allele origin: unknown. Not counted in ClinVar's aggregate classification.

Literature cited by the submitters: PubMed 24938718 (cited by Women's Health and Genetics/Laboratory Corporation of America, LabCorp and Counsyl); PubMed 32675063 (cited by Women's Health and Genetics/Laboratory Corporation of America, LabCorp); PubMed 30390381 (cited by Women's Health and Genetics/Laboratory Corporation of America, LabCorp); PubMed 35106950 (cited by Women's Health and Genetics/Laboratory Corporation of America, LabCorp); PubMed 23029027 (cited by Women's Health and Genetics/Laboratory Corporation of America, LabCorp).

NM_206933.4(USH2A):c.997T>C (p.Ser333Pro)

Gene: USH2A (usherin; minus strand). Cytogenetic location: 1q41.
Variant type: single nucleotide variant.
Coding change: c.997T>C on transcript NM_206933.4 (MANE Select); coding-DNA position 997, T replaced by C.
Protein change: p.Ser333Pro; replaces serine 333 with proline.
Molecular consequence: missense variant.
Genome position (GRCh38, 1-based): chr1:216,325,451, A>G on the plus strand (T>C on the coding strand, the complement: USH2A is on the minus strand). VCF-style: chr1-216325451-A-G. GRCh37 (hg19) VCF-style: chr1-216498793-A-G.
Other names: c.997T>C, p.Ser333Pro (NM_007123.6); short protein forms S333P.
Identifiers: ClinVar variation 550610 (VCV000550610.17), dbSNP rs368986242, ClinGen allele CA1396626.